The following is an entry in ClinVar:

NM_002860.4(ALDH18A1):c.1321C>T (p.Arg441Ter)

Gene: ALDH18A1 (aldehyde dehydrogenase 18 family member A1; minus strand). Cytogenetic location: 10q24.1.
Variant type: single nucleotide variant.
Coding change: c.1321C>T on transcript NM_002860.4 (MANE Select); coding-DNA position 1321, C replaced by T.
Protein change: p.Arg441Ter; replaces arginine 441 with a stop codon.
Molecular consequence: nonsense.
Genome position (GRCh38, 1-based): chr10:95,621,177, G>A on the plus strand (C>T on the coding strand, the complement: ALDH18A1 is on the minus strand). VCF-style: chr10-95621177-G-A. GRCh37 (hg19) VCF-style: chr10-97380934-G-A.
Other names: p.R441*; c.1315C>T, p.Arg439Ter (NM_001017423.2, NM_001323415.2); c.988C>T, p.Arg330Ter (NM_001323412.2, NM_001323416.2); c.1321C>T, p.Arg441Ter (NM_001323413.2, NM_001323414.2); c.1216C>T, p.Arg406Ter (NM_001323417.2); c.982C>T, p.Arg328Ter (NM_001323418.2); c.685C>T, p.Arg229Ter (NM_001323419.2); short protein forms R328*, R439*, R229*, R441*, R330*, R406*.
Identifiers: ClinVar variation 2924294 (VCV002924294.4), dbSNP rs145289559, ClinGen allele CA5620350.

ClinVar aggregate classification (germline): Pathogenic. Review status: criteria provided, multiple submitters, no conflicts (2 of 4 stars). 2 submissions from 2 submitters: Pathogenic (2). Last evaluated 2025-07-09.

Conditions:
Cutis laxa, autosomal dominant 3 (ADCL3). Identifiers: Orphanet 90348, MedGen C4225268, MONDO:0014706, OMIM 616603.
de Barsy syndrome. Also called: Cutis laxa-corneal clouding-oligophrenia syndrome. Identifiers: Orphanet 2962, MedGen C0268354, MONDO:0017569.
Autosomal dominant spastic paraplegia type 9. Identifiers: MedGen C1832669, MONDO:0015091.
Autosomal recessive complex spastic paraplegia type 9B. Also called: Spastic paraplegia 9b, autosomal recessive. Identifiers: Orphanet 447760, MedGen C5568980, MONDO:0014702, OMIM 616586.

Allele frequency attached by ClinVar (database versions not stated): TOPMed below 0.00001; gnomAD 0.00001; ExAC 0.00002; 1000 Genomes Project 30x 0.00016; 1000 Genomes Project 0.00020.
gnomAD v4.1: 40 of 1,614,106 alleles (0.0025%); highest among the groups gnomAD compares: East Asian, 0.0045%; no homozygotes.

Submissions (2):

Undiagnosed Diseases Network, NIH
Classification: Pathogenic for Autosomal recessive complex spastic paraplegia type 9B. Last evaluated: 2025-07-09. Review status: criteria provided, single submitter. Criteria: ACMG Guidelines, 2015. Collection method: clinical testing. Allele origin: unknown. Inheritance: Autosomal recessive inheritance. Affected: yes. Observed: 1 variant allele, 1 compound heterozygote. Study: Undiagnosed Diseases Network (NIH), UDN.

Labcorp Genetics (formerly Invitae), Labcorp
Classification: Pathogenic for Autosomal dominant spastic paraplegia type 9; de Barsy syndrome; Cutis laxa, autosomal dominant 3. Last evaluated: 2023-08-16. Review status: criteria provided, single submitter. Criteria: Invitae Variant Classification Sherloc (09022015). Collection method: clinical testing. Allele origin: germline.
Comment: For these reasons, this variant has been classified as Pathogenic. This premature translational stop signal has been observed in individual(s) with autosomal recessive hereditary spastic paraplegia and/or cutis laxa (PMID: 28567303, 29915212). It has also been observed to segregate with disease in related individuals. This variant is present in population databases (rs145289559, gnomAD 0.006%). This sequence change creates a premature translational stop signal (p.Arg441*) in the ALDH18A1 gene. It is expected to result in an absent or disrupted protein product. Loss-of-function variants in ALDH18A1 are known to be pathogenic (PMID: 21739576, 24913064, 28567303, 28604674, 29915212).

Literature cited by the submitters: PubMed 28567303 (cited by Labcorp Genetics (formerly Invitae), Labcorp); PubMed 29915212 (cited by Labcorp Genetics (formerly Invitae), Labcorp); PubMed 21739576 (cited by Labcorp Genetics (formerly Invitae), Labcorp); PubMed 24913064 (cited by Labcorp Genetics (formerly Invitae), Labcorp); PubMed 28604674 (cited by Labcorp Genetics (formerly Invitae), Labcorp).